The following is an entry in ClinVar:

ClinVar aggregate classification (germline): Uncertain significance (1 of 4 stars; one submission).

Submission:

Labcorp Genetics (formerly Invitae), Labcorp
Classification: Uncertain significance. Last evaluated: 2025-05-24. Review status: criteria provided, single submitter. Criteria: Invitae Variant Classification Sherloc (09022015). Collection method: clinical testing. Allele origin: germline.
Comment: This sequence change replaces asparagine, which is neutral and polar, with histidine, which is basic and polar, at codon 999 of the LRP5 protein (p.Asn999His). This variant is not present in population databases (gnomAD no frequency). This variant has not been reported in the literature in individuals affected with LRP5-related conditions. Invitae Evidence Modeling of protein sequence and biophysical properties (such as structural, functional, and spatial information, amino acid conservation, physicochemical variation, residue mobility, and thermodynamic stability) indicates that this missense variant is not expected to disrupt LRP5 protein function with a negative predictive value of 95%. In summary, the available evidence is currently insufficient to determine the role of this variant in disease. Therefore, it has been classified as a Variant of Uncertain Significance.

NM_002335.4(LRP5):c.2995A>C (p.Asn999His)

Gene: LRP5 (LDL receptor related protein 5; plus strand). Cytogenetic location: 11q13.2.
Variant type: single nucleotide variant.
Coding change: c.2995A>C on transcript NM_002335.4 (MANE Select); coding-DNA position 2995, A replaced by C.
Protein change: p.Asn999His; replaces asparagine 999 with histidine.
Molecular consequence: missense variant.
Genome position (GRCh38, 1-based): chr11:68,416,495, A>C. VCF-style: chr11-68416495-A-C. GRCh37 (hg19) VCF-style: chr11-68183963-A-C.
Other names: c.1252A>C, p.Asn418His (NM_001291902.2); short protein forms N418H, N999H.
Identifiers: ClinVar variation 4800460 (VCV004800460.1).
Genomic context (GRCh38, chr11:68,416,495, plus strand): 5'-GTCAAAGCCATCGACTATGACCCACTGGACAAGTTCATCTACTGGGTGGATGGGCGCCAG[A>C]ACATCAAGCGAGCCAAGGACGACGGGACCCAGGCAGGTGCCCTGTGGGAAGGGTGCGGGG-3'
Protein context (NP_002326.2, residues 989-1009): KFIYWVDGRQ[Asn999His]IKRAKDDGTQ